The following is an entry in ClinVar:

NM_001382430.1(AKT1):c.1029G>C (p.Met343Ile)

Gene: AKT1 (AKT serine/threonine kinase 1; minus strand). Cytogenetic location: 14q32.33.
Variant type: single nucleotide variant.
Coding change: c.1029G>C on transcript NM_001382430.1 (MANE Select); coding-DNA position 1029, G replaced by C.
Protein change: p.Met343Ile; replaces methionine 343 with isoleucine.
Molecular consequence: missense variant.
Genome position (GRCh38, 1-based): chr14:104,773,021, C>G on the plus strand (G>C on the coding strand, the complement: AKT1 is on the minus strand). VCF-style: chr14-104773021-C-G. GRCh37 (hg19) VCF-style: chr14-105239358-C-G.
Other names: c.1029G>C, p.Met343Ile (NM_001014431.2, NM_001014432.2, NM_001382431.1 and 3 more transcripts); short protein forms M343I.
Identifiers: ClinVar variation 1770533 (VCV001770533.2), dbSNP rs2140901887, ClinGen allele CA391217144.

ClinVar aggregate classification (germline): Uncertain significance (1 of 4 stars; one submission).

Conditions:
Inborn genetic diseases. Identifiers: MedGen C0950123, MeSH D030342.

Submission:

Ambry Genetics
Classification: Uncertain significance for Inborn genetic diseases. Last evaluated: 2022-04-06. Review status: criteria provided, single submitter. Criteria: Ambry Variant Classification Scheme 2023. Collection method: clinical testing. Allele origin: germline.
Comment: The p.M343I variant (also known as c.1029G>C), located in coding exon 10 of the AKT1 gene, results from a G to C substitution at nucleotide position 1029. The methionine at codon 343 is replaced by isoleucine, an amino acid with highly similar properties. This amino acid position is conserved. In addition, this alteration is predicted to be tolerated by in silico analysis. Since supporting evidence is limited at this time, the clinical significance of this alteration remains unclear.